The following is an entry in ClinVar:

ClinVar aggregate classification (germline): Uncertain significance (1 of 4 stars; one submission).

Allele frequency attached by ClinVar (database versions not stated): ExAC 0.00001.
gnomAD v4.1: 2 of 1,611,610 alleles (0.00012%); highest among the groups gnomAD compares: Admixed American, 0.0033%; no homozygotes.

Submission:

GeneDx
Classification: Uncertain significance. Last evaluated: 2022-12-06. Review status: criteria provided, single submitter. Criteria: GeneDx Variant Classification Process June 2021. Collection method: clinical testing. Allele origin: germline. Affected: yes.
Comment: Not observed at significant frequency in large population cohorts (gnomAD); In silico analysis supports that this missense variant does not alter protein structure/function; Has not been previously published as pathogenic or benign to our knowledge

NM_001813.3(CENPE):c.3492G>T (p.Lys1164Asn)

Gene: CENPE (centromere protein E; minus strand). Cytogenetic location: 4q24.
Variant type: single nucleotide variant.
Coding change: c.3492G>T on transcript NM_001813.3 (MANE Select); coding-DNA position 3492, G replaced by T.
Protein change: p.Lys1164Asn; replaces lysine 1164 with asparagine.
Molecular consequence: missense variant.
Genome position (GRCh38, 1-based): chr4:103,149,313, C>A on the plus strand (G>T on the coding strand, the complement: CENPE is on the minus strand). VCF-style: chr4-103149313-C-A. GRCh37 (hg19) VCF-style: chr4-104070470-C-A.
Other names: c.3417G>T, p.Lys1139Asn (NM_001286734.2); short protein forms K1139N, K1164N.
Identifiers: ClinVar variation 2504798 (VCV002504798.1), dbSNP rs758208762, ClinGen allele CA3030047.